The following is an entry in ClinVar:

NM_138927.4(SON):c.3283T>C (p.Ser1095Pro)

Gene: SON (SON DNA and RNA binding protein; plus strand). Cytogenetic location: 21q22.11.
Variant type: single nucleotide variant.
Coding change: c.3283T>C on transcript NM_138927.4 (MANE Select); coding-DNA position 3283, T replaced by C.
Protein change: p.Ser1095Pro; replaces serine 1095 with proline.
Molecular consequence: missense variant. On other transcripts: non-coding transcript variant (1), intron variant (1).
Genome position (GRCh38, 1-based): chr21:33,552,514, T>C. VCF-style: chr21-33552514-T-C. GRCh37 (hg19) VCF-style: chr21-34924820-T-C.
Other names: c.3283T>C, p.Ser1095Pro (NM_001291411.2, NM_032195.3); c.245-4642T>C (NM_001291412.3); short protein forms S1095P.
Identifiers: ClinVar variation 5000247 (VCV005000247.1).

ClinVar aggregate classification (germline): Uncertain significance (1 of 4 stars; one submission).

Conditions:
SON-related disorder. Also called: SON-related condition.

Submission:

PreventionGenetics, part of Exact Sciences
Classification: Uncertain significance for SON-related condition. Last evaluated: 2025-03-31. Review status: criteria provided, single submitter. Criteria: ACMG Guidelines, 2015. Collection method: clinical testing. Allele origin: germline.
Comment: The SON c.3283T>C variant is predicted to result in the amino acid substitution p.Ser1095Pro. To our knowledge, this variant has not been reported in the literature or in a large population database (gnomAD), indicating this variant is rare. At this time, the clinical significance of this variant is uncertain due to the absence of conclusive functional and genetic evidence.